The following is an entry in ClinVar:

NM_021625.5(TRPV4):c.272A>G (p.Tyr91Cys)

Gene: TRPV4 (transient receptor potential cation channel subfamily V member 4; minus strand). Cytogenetic location: 12q24.11.
Variant type: single nucleotide variant.
Coding change: c.272A>G on transcript NM_021625.5 (MANE Select); coding-DNA position 272, A replaced by G.
Protein change: p.Tyr91Cys; replaces tyrosine 91 with cysteine.
Molecular consequence: missense variant.
Genome position (GRCh38, 1-based): chr12:109,814,525, T>C on the plus strand (A>G on the coding strand, the complement: TRPV4 is on the minus strand). VCF-style: chr12-109814525-T-C. GRCh37 (hg19) VCF-style: chr12-110252330-T-C.
Other names: c.272A>G, p.Tyr91Cys (NM_001177428.2, NM_001177433.2, NM_147204.3); c.170A>G, p.Tyr57Cys (NM_001177431.2); short protein forms Y57C, Y91C.
Identifiers: ClinVar variation 1316196 (VCV001316196.2), dbSNP rs1891736087, ClinGen allele CA386660389.

ClinVar aggregate classification (germline): Uncertain significance (1 of 4 stars; one submission).

Allele frequency attached by ClinVar (database versions not stated): TOPMed below 0.00001; gnomAD exomes below 0.00001.
gnomAD v4.1: 4 of 1,614,082 alleles (0.00025%); highest among the groups gnomAD compares: Non-Finnish European, 0.00034%; no homozygotes.

Submission:

GeneDx
Classification: Uncertain significance. Last evaluated: 2019-09-10. Review status: criteria provided, single submitter. Criteria: GeneDx Variant Classification Process June 2021. Collection method: clinical testing. Allele origin: germline. Affected: yes.
Comment: Not observed in large population cohorts (Lek et al., 2016); In silico analysis, which includes protein predictors and evolutionary conservation, supports that this variant does not alter protein structure/function; In silico analysis, which includes splice predictors and evolutionary conservation, suggests this variant may impact gene splicing. In the absence of RNA/functional studies, the actual effect of this sequence change is unknown; Has not been previously published as pathogenic or benign to our knowledge